The following is an entry in ClinVar:

NM_006389.5(HYOU1):c.1822C>A (p.Pro608Thr)

Gene: HYOU1 (hypoxia up-regulated 1; minus strand). Cytogenetic location: 11q23.3.
Variant type: single nucleotide variant.
Coding change: c.1822C>A on transcript NM_006389.5 (MANE Select); coding-DNA position 1822, C replaced by A.
Protein change: p.Pro608Thr; replaces proline 608 with threonine.
Molecular consequence: missense variant.
Genome position (GRCh38, 1-based): chr11:119,049,188, G>T on the plus strand (C>A on the coding strand, the complement: HYOU1 is on the minus strand). VCF-style: chr11-119049188-G-T. GRCh37 (hg19) VCF-style: chr11-118919900-G-T.
Other names: c.1822C>A, p.Pro608Thr (NM_001130991.3); short protein forms P608T.
Identifiers: ClinVar variation 1426837 (VCV001426837.7), dbSNP rs199831152, ClinGen allele CA229619827.

ClinVar aggregate classification (germline): Uncertain significance. Review status: criteria provided, multiple submitters, no conflicts (2 of 4 stars). 2 submissions from 2 submitters: Uncertain significance (2). Last evaluated 2025-12-03.

Allele frequency attached by ClinVar (database versions not stated): gnomAD 0.00023 and 0.00024.
gnomAD v4.1: 608 of 1,598,388 alleles (0.038%); highest among the groups gnomAD compares: Non-Finnish European, 0.048%; no homozygotes.

Submissions (2):

Labcorp Genetics (formerly Invitae), Labcorp
Classification: Uncertain significance. Last evaluated: 2025-12-03. Review status: criteria provided, single submitter. Criteria: Invitae Variant Classification Sherloc (09022015). Collection method: clinical testing. Allele origin: germline.
Comment: This sequence change replaces proline, which is neutral and non-polar, with threonine, which is neutral and polar, at codon 608 of the HYOU1 protein (p.Pro608Thr). This variant is present in population databases (rs199831152, gnomAD 0.03%). This variant has not been reported in the literature in individuals affected with HYOU1-related conditions. ClinVar contains an entry for this variant (Variation ID: 1426837). Experimental studies and prediction algorithms are not available or were not evaluated, and the functional significance of this variant is currently unknown. In summary, the available evidence is currently insufficient to determine the role of this variant in disease. Therefore, it has been classified as a Variant of Uncertain Significance.

Blueprint Genetics
Classification: Uncertain significance. Last evaluated: 2024-07-05. Review status: criteria provided, single submitter. Criteria: ACMG Guidelines, 2015. Collection method: clinical testing. Allele origin: germline.